The following is an entry in ClinVar:

NM_000390.4(CHM):c.1185T>C (p.Gly395=)

Gene: CHM (CHM Rab escort protein; minus strand). Cytogenetic location: Xq21.2.
Variant type: single nucleotide variant.
Coding change: c.1185T>C on transcript NM_000390.4 (MANE Select); coding-DNA position 1185, T replaced by C.
Protein change: p.Gly395=; no amino-acid change (glycine 395 retained).
Molecular consequence: synonymous variant.
Genome position (GRCh38, 1-based): chrX:85,911,320, A>G on the plus strand (T>C on the coding strand, the complement: CHM is on the minus strand). VCF-style: chrX-85911320-A-G. GRCh37 (hg19) VCF-style: chrX-85166325-A-G.
Other names: c.741T>C, p.Gly247= (NM_001320959.1, NM_001362517.1, NM_001362518.2 and 1 more transcripts); c.1185T>C (NM_000390.3).
Identifiers: ClinVar variation 1167807 (VCV001167807.11), dbSNP rs146153014, ClinGen allele CA10465456.

ClinVar aggregate classification (germline): Benign/Likely benign. Review status: criteria provided, multiple submitters, no conflicts (2 of 4 stars). 3 submissions from 3 submitters: Benign (1); Likely benign (2). Last evaluated 2025-10-15.

Conditions:
CHM-related disorder. Also called: CHM-related condition.

Allele frequency attached by ClinVar (database versions not stated): ExAC 0.00016; gnomAD 0.00020 and 0.00021; gnomAD exomes 0.00003 and 0.00008; ESP Exome Variant Server 0.00038.
gnomAD v4.1: 44 of 1,039,808 alleles (0.0042%); highest among the groups gnomAD compares: African/African-American, 0.092%; no homozygotes.

Submissions (3):

Labcorp Genetics (formerly Invitae), Labcorp
Classification: Benign. Last evaluated: 2025-10-15. Review status: criteria provided, single submitter. Criteria: Invitae Variant Classification Sherloc (09022015). Collection method: clinical testing. Allele origin: germline.

PreventionGenetics, part of Exact Sciences
Classification: Likely benign for CHM-related condition. Last evaluated: 2025-04-11. Review status: criteria provided, single submitter. Criteria: ACMG Guidelines, 2015. Collection method: clinical testing. Allele origin: germline.
Comment: This variant is classified as likely benign based on ACMG/AMP sequence variant interpretation guidelines (Richards et al. 2015 PMID: 25741868, with internal and published modifications).

Blueprint Genetics
Classification: Likely benign. Last evaluated: 2023-10-02. Review status: criteria provided, single submitter. Criteria: ACMG Guidelines, 2015. Collection method: clinical testing. Allele origin: germline.